The following is an entry in ClinVar:

ClinVar aggregate classification (germline): Likely pathogenic (1 of 4 stars; one submission).

Conditions:
Gaucher disease. Also called: Acute cerebral Gaucher disease; Cerebroside lipidosis syndrome; Gaucher splenomegaly; Sphingolipidosis 1; Glucocerebrosidosis; Glucosylceramidase deficiency. Identifiers: Orphanet 355, MedGen C0017205, MONDO:0018150.

Submission:

Natera, Inc.
Classification: Likely pathogenic for Gaucher disease. Last evaluated: 2025-10-27. Review status: criteria provided, single submitter. Criteria: Natera Variant Classification Schema (03/2026). Collection method: clinical testing. Allele origin: germline.
Comment: The c.1254del variant in GBA1 is a frameshift variant predicted to shift the reading frame beginning at codon 419 and leads to a stop codon 6 codons downstream. This variant is expected to result in nonsense mediated decay, truncation, or a dysfunctional protein product. This variant is rare in the general population with a frequency below the threshold expected for the associated phenotype(s). Given the available evidence, this variant is classified as Likely Pathogenic.

NM_000157.4(GBA1):c.1254del (p.Asp419fs)

Genes: GBA1 (glucosylceramidase beta 1; minus strand), LOC106627981 (GBA recombination region; plus strand). Cytogenetic location: 1q22.
Variant type: Deletion.
Coding change: c.1254del on transcript NM_000157.4 (MANE Select); coding-DNA position 1254, one base deleted (C; older notation c.1254delC).
Protein change: p.Asp419fs; shifts the reading frame from aspartic acid 419.
Molecular consequence: frameshift variant.
Genome position (GRCh38, 1-based): chr1:155,235,815, G deleted on the plus strand (C on the coding strand, the reverse complement: GBA1 is on the minus strand); the first of 2 consecutive G bases (chr1:155,235,815-155,235,816); deleting either gives the same sequence. VCF-style (leftmost placement, unchanged base first): chr1-155235814-CG-C. GRCh37 (hg19) VCF-style: chr1-155205605-CG-C.
Other names: c.1254del, p.Asp419fs (NM_001005741.3, NM_001005742.3); c.993del, p.Asp332fs (NM_001171811.2); c.1107del, p.Asp370fs (NM_001171812.2); short protein forms D332fs, D370fs, D419fs.
Identifiers: ClinVar variation 4817705 (VCV004817705.1).